The following is an entry in ClinVar:

NM_017649.5(CNNM2):c.2240A>G (p.Asn747Ser)

Gene: CNNM2 (cyclin and CBS domain divalent metal cation transport mediator 2; plus strand). Cytogenetic location: 10q24.32.
Variant type: single nucleotide variant.
Coding change: c.2240A>G on transcript NM_017649.5 (MANE Select); coding-DNA position 2240, A replaced by G.
Protein change: p.Asn747Ser; replaces asparagine 747 with serine.
Molecular consequence: missense variant.
Genome position (GRCh38, 1-based): chr10:103,076,092, A>G. VCF-style: chr10-103076092-A-G. GRCh37 (hg19) VCF-style: chr10-104835849-A-G.
Other names: c.2240A>G (NM_017649.3); c.2174A>G, p.Asn725Ser (NM_199076.3); short protein forms N725S, N747S.
Identifiers: ClinVar variation 802633 (VCV000802633.6), dbSNP rs988049940, ClinGen allele CA212308389.

ClinVar aggregate classification (germline): Conflicting classifications of pathogenicity. Review status: criteria provided, conflicting classifications (1 of 4 stars). 3 submissions from 3 submitters: Uncertain significance (2); Likely benign (1). Last evaluated 2025-01-11.

Conditions:
Inborn genetic diseases. Identifiers: MedGen C0950123, MeSH D030342.
Hypomagnesemia, seizures, and impaired intellectual development 1. Also called: Hypomagnesemia, seizures, and intellectual disability 1. Identifiers: Orphanet 34527, MedGen C4225333, MONDO:0020787, OMIM 616418.

Allele frequency attached by ClinVar (database versions not stated): gnomAD exomes below 0.00001; TOPMed 0.00002.
gnomAD v4.1: 2 of 1,607,780 alleles (0.00012%); highest among the groups gnomAD compares: Admixed American, 0.0017%; no homozygotes.

Submissions (3):

Labcorp Genetics (formerly Invitae), Labcorp
Classification: Uncertain significance. Last evaluated: 2025-01-11. Review status: criteria provided, single submitter. Criteria: Invitae Variant Classification Sherloc (09022015). Collection method: clinical testing. Allele origin: germline.
Comment: This sequence change replaces asparagine, which is neutral and polar, with serine, which is neutral and polar, at codon 747 of the CNNM2 protein (p.Asn747Ser). The frequency data for this variant in the population databases is considered unreliable, as metrics indicate poor data quality at this position in the gnomAD database. This variant has not been reported in the literature in individuals affected with CNNM2-related conditions. ClinVar contains an entry for this variant (Variation ID: 802633). Invitae Evidence Modeling of protein sequence and biophysical properties (such as structural, functional, and spatial information, amino acid conservation, physicochemical variation, residue mobility, and thermodynamic stability) indicates that this missense variant is not expected to disrupt CNNM2 protein function with a negative predictive value of 80%. In summary, the available evidence is currently insufficient to determine the role of this variant in disease. Therefore, it has been classified as a Variant of Uncertain Significance.

Ambry Genetics
Classification: Uncertain significance for Inborn genetic diseases. Last evaluated: 2022-05-10. Review status: criteria provided, single submitter. Criteria: Ambry Variant Classification Scheme 2023. Collection method: clinical testing. Allele origin: germline.

Mendelics
Classification: Likely benign for Hypomagnesemia, seizures, and impaired intellectual development 1. Last evaluated: 2019-05-28. Review status: criteria provided, single submitter. Criteria: Mendelics Assertion Criteria 2017. Collection method: clinical testing. Allele origin: unknown.